The following is an entry in ClinVar:

ClinVar aggregate classification (germline): Uncertain significance (1 of 4 stars; one submission).

Submission:

GeneDx
Classification: Uncertain significance. Last evaluated: 2026-04-18. Review status: criteria provided, single submitter. Criteria: GeneDx Variant Classification Process June 2021. Collection method: clinical testing. Allele origin: germline.
Comment: Not observed at significant frequency in large population cohorts (gnomAD); In silico analysis suggests that this missense variant does not alter protein structure/function; Has not been previously published as pathogenic or benign to our knowledge

NM_000875.5(IGF1R):c.2731T>C (p.Ser911Pro)

Gene: IGF1R (insulin like growth factor 1 receptor; plus strand). Cytogenetic location: 15q26.3.
Variant type: single nucleotide variant.
Coding change: c.2731T>C on transcript NM_000875.5 (MANE Select); coding-DNA position 2731, T replaced by C.
Protein change: p.Ser911Pro; replaces serine 911 with proline.
Molecular consequence: missense variant.
Genome position (GRCh38, 1-based): chr15:98,924,633, T>C. VCF-style: chr15-98924633-T-C. GRCh37 (hg19) VCF-style: chr15-99467862-T-C.
Other names: c.2731T>C, p.Ser911Pro (NM_001291858.2); short protein forms S911P.
Identifiers: ClinVar variation 5037405 (VCV005037405.1).